The following is an entry in ClinVar:

NM_080473.5(GATA5):c.506G>T (p.Gly169Val)

Gene: GATA5 (GATA binding protein 5; minus strand). Cytogenetic location: 20q13.33.
Variant type: single nucleotide variant.
Coding change: c.506G>T on transcript NM_080473.5 (MANE Select); coding-DNA position 506, G replaced by T.
Protein change: p.Gly169Val; replaces glycine 169 with valine.
Molecular consequence: missense variant.
Genome position (GRCh38, 1-based): chr20:62,475,016, C>A on the plus strand (G>T on the coding strand, the complement: GATA5 is on the minus strand). VCF-style: chr20-62475016-C-A. GRCh37 (hg19) VCF-style: chr20-61050072-C-A.
Other names: short protein forms G169V.
Identifiers: ClinVar variation 3014565 (VCV003014565.3), dbSNP rs1989817118, ClinGen allele CA409556223.
Genomic context (GRCh38, chr20:62,475,016, plus strand): 5'-CGGCCGCTCCTGGGCCCCGAGACTGTGGAGCCCCCGCACTCACCGAAGGTGGGCCTGCGG[C>A]CTGGGAGGCCGTGCAGGACGCTGCCATCGAAGGGCCCGGCAGTCCAGGACTGGGCCACGT-3'
Protein context (NP_536721.1, residues 159-179): FDGSVLHGLP[Gly169Val]RRPTFVSDFL

ClinVar aggregate classification (germline): Uncertain significance (1 of 4 stars; one submission).

Submission:

Labcorp Genetics (formerly Invitae), Labcorp
Classification: Uncertain significance. Last evaluated: 2024-01-31. Review status: criteria provided, single submitter. Criteria: Invitae Variant Classification Sherloc (09022015). Collection method: clinical testing. Allele origin: germline.
Comment: This sequence change replaces glycine, which is neutral and non-polar, with valine, which is neutral and non-polar, at codon 169 of the GATA5 protein (p.Gly169Val). This variant is not present in population databases (gnomAD no frequency). This variant has not been reported in the literature in individuals affected with GATA5-related conditions. Advanced modeling of protein sequence and biophysical properties (such as structural, functional, and spatial information, amino acid conservation, physicochemical variation, residue mobility, and thermodynamic stability) performed at Invitae indicates that this missense variant is not expected to disrupt GATA5 protein function with a negative predictive value of 80%. In summary, the available evidence is currently insufficient to determine the role of this variant in disease. Therefore, it has been classified as a Variant of Uncertain Significance.